The following is an entry in ClinVar:

NM_014780.5(CUL7):c.2492C>T (p.Ser831Phe)

Gene: CUL7 (cullin 7; minus strand). Cytogenetic location: 6p21.1.
Variant type: single nucleotide variant.
Coding change: c.2492C>T on transcript NM_014780.5 (MANE Select); coding-DNA position 2492, C replaced by T.
Protein change: p.Ser831Phe; replaces serine 831 with phenylalanine.
Molecular consequence: missense variant.
Genome position (GRCh38, 1-based): chr6:43,046,404, G>A on the plus strand (C>T on the coding strand, the complement: CUL7 is on the minus strand). VCF-style: chr6-43046404-G-A. GRCh37 (hg19) VCF-style: chr6-43014142-G-A.
Other names: c.2588C>T, p.Ser863Phe (NM_001168370.2, NM_001374872.1); c.2492C>T, p.Ser831Phe (NM_001374873.1, NM_001374874.1); short protein forms S831F, S863F.
Identifiers: ClinVar variation 2069237 (VCV002069237.1), dbSNP rs369629454, ClinGen allele CA3813812.

ClinVar aggregate classification (germline): Uncertain significance (1 of 4 stars; one submission).

Allele frequency attached by ClinVar (database versions not stated): gnomAD 0.00005; TOPMed 0.00005; ESP Exome Variant Server 0.00008; gnomAD exomes 0.00011; ExAC 0.00025.
gnomAD v4.1: 173 of 1,614,064 alleles (0.011%); highest among the groups gnomAD compares: South Asian, 0.13%; 1 homozygote.

Submission:

Labcorp Genetics (formerly Invitae), Labcorp
Classification: Uncertain significance. Last evaluated: 2022-09-01. Review status: criteria provided, single submitter. Criteria: Invitae Variant Classification Sherloc (09022015). Collection method: clinical testing. Allele origin: germline.
Comment: This sequence change replaces serine, which is neutral and polar, with phenylalanine, which is neutral and non-polar, at codon 831 of the CUL7 protein (p.Ser831Phe). This variant is present in population databases (rs369629454, gnomAD 0.1%). This variant has not been reported in the literature in individuals affected with CUL7-related conditions. Algorithms developed to predict the effect of missense changes on protein structure and function are either unavailable or do not agree on the potential impact of this missense change (SIFT: "Deleterious"; PolyPhen-2: "Probably Damaging"; Align-GVGD: "Class C15"). In summary, the available evidence is currently insufficient to determine the role of this variant in disease. Therefore, it has been classified as a Variant of Uncertain Significance.